The following is an entry in ClinVar:

ClinVar aggregate classification (germline): Uncertain significance. Review status: criteria provided, multiple submitters, no conflicts (2 of 4 stars). 2 submissions from 2 submitters: Uncertain significance (2). Last evaluated 2025-12-22.

Conditions:
SLCO1B3-related disorder. Also called: SLCO1B3-related condition.
Rotor syndrome (HBLRR). Also called: HYPERBILIRUBINEMIA, ROTOR TYPE, DIGENIC; HYPERBILIRUBINEMIA, ROTOR TYPE. Identifiers: Orphanet 3111, MedGen C0220991, MONDO:0009379, OMIM 237450.

Allele frequency attached by ClinVar (database versions not stated): gnomAD exomes 0.00001; ExAC 0.00002; TOPMed 0.00003.
gnomAD v4.1: 21 of 1,541,996 alleles (0.0014%); highest among the groups gnomAD compares: Non-Finnish European, 0.0018%; no homozygotes.

Submissions (2):

PreventionGenetics, part of Exact Sciences
Classification: Uncertain significance for SLCO1B3-related condition. Last evaluated: 2025-12-22. Review status: criteria provided, single submitter. Criteria: ACMG Guidelines, 2015. Collection method: clinical testing. Allele origin: germline.
Comment: The SLCO1B3 c.1741A>G variant is predicted to result in the amino acid substitution p.Thr581Ala. To our knowledge, this variant has not been reported in the literature. This variant is reported in 0.0024% of alleles in individuals of European (Non-Finnish) descent in gnomAD. At this time, the clinical significance of this variant is uncertain due to the absence of conclusive functional and genetic evidence.

Illumina Laboratory Services, Illumina
Classification: Uncertain significance for Rotor syndrome. Last evaluated: 2018-01-13. Review status: criteria provided, single submitter. Criteria: ICSL Variant Classification Criteria 13 December 2019. Collection method: clinical testing. Allele origin: germline.

NM_019844.4(SLCO1B3):c.1741A>G (p.Thr581Ala)

Genes: SLCO1B3 (solute carrier organic anion transporter family member 1B3; plus strand), SLCO1B3-SLCO1B7 (SLCO1B3-SLCO1B7 readthrough; plus strand). Cytogenetic location: 12p12.2.
Variant type: single nucleotide variant.
Coding change: c.1741A>G on transcript NM_019844.4 (MANE Select); coding-DNA position 1741, A replaced by G.
Protein change: p.Thr581Ala; replaces threonine 581 with alanine.
Molecular consequence: missense variant.
Genome position (GRCh38, 1-based): chr12:20,898,494, A>G. VCF-style: chr12-20898494-A-G. GRCh37 (hg19) VCF-style: chr12-21051428-A-G.
Other names: c.1741A>G, p.Thr581Ala (NM_001371097.1); c.1657A>G, p.Thr553Ala (NM_001349920.2); short protein forms T553A, T581A.
Identifiers: ClinVar variation 881887 (VCV000881887.5), dbSNP rs779952599, ClinGen allele CA6475678.